The following is an entry in ClinVar:

NM_021625.5(TRPV4):c.1891+48G>A

Gene: TRPV4 (transient receptor potential cation channel subfamily V member 4; minus strand). Cytogenetic location: 12q24.11.
Variant type: single nucleotide variant.
Coding change: c.1891+48G>A on transcript NM_021625.5 (MANE Select); 48 bases into the intron after coding-DNA position 1891, G replaced by A.
Molecular consequence: intron variant.
Genome position (GRCh38, 1-based): chr12:109,792,315, C>T on the plus strand (G>A on the coding strand, the complement: TRPV4 is on the minus strand). VCF-style: chr12-109792315-C-T. GRCh37 (hg19) VCF-style: chr12-110230120-C-T.
Other names: c.1570+48G>A (NM_001177433.1); c.1750+48G>A (NM_001177428.1); c.1711+48G>A (NM_147204.2); c.1789+48G>A (NM_001177431.1).
Identifiers: ClinVar variation 675957 (VCV000675957.2), dbSNP rs75939154, ClinGen allele CA6780056.

ClinVar aggregate classification (germline): Benign. Review status: criteria provided, multiple submitters, no conflicts (2 of 4 stars). 2 submissions from 2 submitters: Benign (2). Last evaluated 2018-06-19.

Allele frequency attached by ClinVar (database versions not stated): TOPMed 0.02543; gnomAD exomes 0.00220 and 0.00588; gnomAD 0.02191 and 0.02357; ESP Exome Variant Server 0.02637; ExAC 0.00708; 1000 Genomes Project 0.02556; 1000 Genomes Project 30x 0.02608.
gnomAD v4.1: 6,527 of 1,553,964 alleles (0.42%); highest among the groups gnomAD compares: African/African-American, 7.6%; 220 homozygotes.

Submissions (2):

GeneDx
Classification: Benign. Last evaluated: 2018-06-19. Review status: criteria provided, single submitter. Criteria: GeneDx Variant Classification (06012015). Collection method: clinical testing. Allele origin: germline. Affected: yes.
Comment: This variant is considered likely benign or benign based on one or more of the following criteria: it is a conservative change, it occurs at a poorly conserved position in the protein, it is predicted to be benign by multiple in silico algorithms, and/or has population frequency not consistent with disease.

Breakthrough Genomics
Classification: Benign. Review status: criteria provided, single submitter. Criteria: ACMG Guidelines, 2015. Collection method: not provided. Allele origin: germline. Inheritance: Autosomal dominant inheritance. Affected: yes.